The following is an entry in ClinVar:

NM_012310.5(KIF4A):c.3353G>A (p.Arg1118Gln)

Gene: KIF4A (kinesin family member 4A; plus strand). Cytogenetic location: Xq13.1.
Variant type: single nucleotide variant.
Coding change: c.3353G>A on transcript NM_012310.5 (MANE Select); coding-DNA position 3353, G replaced by A.
Protein change: p.Arg1118Gln; replaces arginine 1118 with glutamine.
Molecular consequence: missense variant.
Genome position (GRCh38, 1-based): chrX:70,417,985, G>A. VCF-style: chrX-70417985-G-A. GRCh37 (hg19) VCF-style: chrX-69637835-G-A.
Other names: short protein forms R1118Q.
Identifiers: ClinVar variation 2634673 (VCV002634673.2), dbSNP rs1251243736, ClinGen allele CA413478819.
Genomic context (GRCh38, chrX:70,417,985, plus strand): 5'-GGTGCAGGAAGCAAAAGTCAGACTGTGGTGTGGACTGTTGCTGTGACCCCACAAAGTGTC[G>A]GAACCGCCAGCAAGGCAAGGTAGGATCAGGGCTGTTTCCTCTCCCCTTCCCTTCAGACCT-3'
Protein context (NP_036442.3, residues 1108-1128): VDCCCDPTKC[Arg1118Gln]NRQQGKDSLG

ClinVar aggregate classification (germline): Uncertain significance. Review status: criteria provided, multiple submitters, no conflicts (2 of 4 stars). 2 submissions from 2 submitters: Uncertain significance (2). Last evaluated 2025-04-12.

Conditions:
KIF4A-related disorder. Also called: KIF4A-related condition.

Allele frequency attached by ClinVar (database versions not stated): gnomAD 0.00001; gnomAD exomes 0.00001; TOPMed 0.00003.
gnomAD v4.1: 17 of 1,206,598 alleles (0.0014%); highest among the groups gnomAD compares: South Asian, 0.0018%; no homozygotes.

Submissions (2):

Ambry Genetics
Classification: Uncertain significance. Last evaluated: 2025-04-12. Review status: criteria provided, single submitter. Criteria: Ambry Variant Classification Scheme 2023. Collection method: clinical testing. Allele origin: germline.

PreventionGenetics, part of Exact Sciences
Classification: Uncertain significance for KIF4A-related condition. Last evaluated: 2022-11-10. Review status: criteria provided, single submitter. Criteria: ACMG Guidelines, 2015. Collection method: clinical testing. Allele origin: germline.
Comment: The KIF4A c.3353G>A variant is predicted to result in the amino acid substitution p.Arg1118Gln. To our knowledge, this variant has not been reported in the literature. This variant is reported in 0.014% of alleles in individuals of Ashkenazi Jewish descent in gnomAD. At this time, the clinical significance of this variant is uncertain due to the absence of conclusive functional and genetic evidence.